The following is an entry in ClinVar:

NM_058179.4(PSAT1):c.889A>G (p.Asn297Asp)

Gene: PSAT1 (phosphoserine aminotransferase 1; plus strand). Cytogenetic location: 9q21.2.
Variant type: single nucleotide variant.
Coding change: c.889A>G on transcript NM_058179.4 (MANE Select); coding-DNA position 889, A replaced by G.
Protein change: p.Asn297Asp; replaces asparagine 297 with aspartic acid.
Molecular consequence: missense variant. On other transcripts: intron variant (1).
Genome position (GRCh38, 1-based): chr9:78,328,070, A>G. VCF-style: chr9-78328070-A-G. GRCh37 (hg19) VCF-style: chr9-80942986-A-G.
Other names: c.870-911A>G (NM_021154.5); short protein forms N297D.
Identifiers: ClinVar variation 977060 (VCV000977060.7), dbSNP rs1198065787, ClinGen allele CA373860686.
Genomic context (GRCh38, chr9:78,328,070, plus strand): 5'-CATTTCAGAAAAGTAGCTGGAATAATAAACATGTTTTTCAGTTGTCCAGTGGAGCCCCAA[A>G]ATAGAAGCAAGATGAATATTCCATTCCGCATTGGCAATGCCAAAGGAGATGATGCTTTAG-3'
Protein context (NP_478059.1, residues 287-307): GFYVCPVEPQ[Asn297Asp]RSKMNIPFRI

ClinVar aggregate classification (germline): Uncertain significance. Review status: criteria provided, single submitter (1 of 4 stars). 2 submissions from 2 submitters: Uncertain significance (1). 1 of the submissions does not count toward it. Last evaluated 2022-05-09.

Conditions:
Neu-Laxova syndrome 2. Identifiers: Orphanet 2671, Orphanet 583602, MedGen C4015019, MONDO:0014466, OMIM 616038.

Allele frequency attached by ClinVar (database versions not stated): gnomAD exomes below 0.00001 and 0.00001; gnomAD 0.00001; TOPMed 0.00001.
gnomAD v4.1: 5 of 1,611,516 alleles (0.00031%); highest among the groups gnomAD compares: Non-Finnish European, 0.00034%; no homozygotes.

Submissions (2):

Labcorp Genetics (formerly Invitae), Labcorp
Classification: Uncertain significance for Neu-Laxova syndrome 2. Last evaluated: 2022-05-09. Review status: criteria provided, single submitter. Criteria: Invitae Variant Classification Sherloc (09022015). Collection method: clinical testing. Allele origin: germline.
Comment: This variant is present in population databases (no rsID available, gnomAD 0.003%). This sequence change replaces asparagine, which is neutral and polar, with aspartic acid, which is acidic and polar, at codon 297 of the PSAT1 protein (p.Asn297Asp). This variant has not been reported in the literature in individuals affected with PSAT1-related conditions. In summary, the available evidence is currently insufficient to determine the role of this variant in disease. Therefore, it has been classified as a Variant of Uncertain Significance. Experimental studies are conflicting or provide insufficient evidence to determine the effect of this variant on PSAT1 function (PMID: 32077105). Algorithms developed to predict the effect of missense changes on protein structure and function (SIFT, PolyPhen-2, Align-GVGD) all suggest that this variant is likely to be tolerated. ClinVar contains an entry for this variant (Variation ID: 977060).

Dudley Research Group, Pacific Northwest Research Institute
No classification provided. Review status: no classification provided. Collection method: research, in vivo. Allele origin: unknown, not applicable. Functional consequence: functionally_normal. Not counted in ClinVar's aggregate classification.

Literature cited by the submitters: PubMed 32077105 (cited by Labcorp Genetics (formerly Invitae), Labcorp).